The following is an entry in ClinVar:

ClinVar aggregate classification (germline): Likely benign. Review status: reviewed by expert panel (3 of 4 stars). 3 submissions from 3 submitters: Likely benign (1). 2 of the submissions do not count toward it. Last evaluated 2017-06-29.

Conditions:
Hereditary breast ovarian cancer syndrome. Also called: Hereditary breast and ovarian cancer syndrome (HBOC); Breast and ovarian cancer; Hereditary breast and ovarian cancer syndrome; Hereditary breast and ovarian cancer; BRCA1- and BRCA2-Associated Hereditary Breast and Ovarian Cancer; Hereditary breast and/or ovarian cancer syndrome. Identifiers: Orphanet 145, MedGen C0677776, MeSH D061325, MONDO:0003582. Disease mechanism: loss of function.
Hereditary cancer-predisposing syndrome. Also called: Hereditary Cancer Syndrome; Neoplastic Syndromes, Hereditary; Hereditary neoplastic syndrome; Tumor predisposition. Identifiers: Orphanet 140162, MedGen C0027672, MeSH D009386, MONDO:0015356.
Breast-ovarian cancer, familial, susceptibility to, 1 (BROVCA1). Also called: BRCA1 Hereditary Breast and Ovarian Cancer; OVARIAN CANCER, SUSCEPTIBILITY TO. Identifiers: Orphanet 145, MedGen C2676676, MONDO:0011450, OMIM 604370. Disease mechanism: loss of function.

Allele frequency attached by ClinVar (database versions not stated): gnomAD exomes below 0.00001; ExAC 0.00001.
gnomAD v4.1: 3 of 1,614,184 alleles (0.00019%); highest among the groups gnomAD compares: South Asian, 0.0022%; no homozygotes.

Submissions (3):

Evidence-based Network for the Interpretation of Germline Mutant Alleles (ENIGMA)
Classification: Likely benign for Breast-ovarian cancer, familial, susceptibility to, 1. Last evaluated: 2017-06-29. Review status: reviewed by expert panel. Criteria: ENIGMA BRCA1/2 Classification Criteria (2017-06-29). Collection method: curation. Allele origin: germline.
Comment: Synonymous substitution variant, with low bioinformatic likelihood to result in a splicing aberration (Splicing prior probability 0.02).

Labcorp Genetics (formerly Invitae), Labcorp
Classification: Likely benign for Hereditary breast ovarian cancer syndrome. Last evaluated: 2023-01-01. Review status: criteria provided, single submitter. Criteria: Invitae Variant Classification Sherloc (09022015). Collection method: clinical testing. Allele origin: germline. Not counted in ClinVar's aggregate classification.

Ambry Genetics
Classification: Likely benign for Hereditary cancer-predisposing syndrome. Last evaluated: 2019-07-29. Review status: criteria provided, single submitter. Criteria: Ambry Variant Classification Scheme 2023. Collection method: clinical testing. Allele origin: germline. Not counted in ClinVar's aggregate classification.

NM_007294.4(BRCA1):c.3685T>C (p.Leu1229=)

Genes: BRCA1 (BRCA1 DNA repair associated; minus strand), LOC126862571 (BRD4-independent group 4 enhancer GRCh37_chr17:41243136-41244335; plus strand). Cytogenetic location: 17q21.31.
Variant type: single nucleotide variant.
Coding change: c.3685T>C on transcript NM_007294.4 (MANE Select); coding-DNA position 3685, T replaced by C.
Protein change: p.Leu1229=; no amino-acid change (leucine 1229 retained).
Molecular consequence: synonymous variant. On other transcripts: intron variant (135).
Genome position (GRCh38, 1-based): chr17:43,091,846, A>G on the plus strand (T>C on the coding strand, the complement: BRCA1 is on the minus strand). VCF-style: chr17-43091846-A-G. GRCh37 (hg19) VCF-style: chr17-41243863-A-G.
Other names: c.3472T>C, p.Leu1158= (NM_001407571.1, NM_001407853.1, NM_001407894.1 and 9 more transcripts); c.3685T>C, p.Leu1229= (NM_001407581.1, NM_001407582.1, NM_001407583.1 and 30 more transcripts); c.3682T>C, p.Leu1228= (NM_001407587.1, NM_001407590.1, NM_001407591.1 and 22 more transcripts); c.3676T>C, p.Leu1226= (NM_001407646.1, NM_001407647.1); c.3562T>C, p.Leu1188= (NM_001407648.1, NM_001407664.1, NM_001407665.1 and 19 more transcripts); c.3559T>C, p.Leu1187= (NM_001407649.1, NM_001407670.1, NM_001407671.1 and 11 more transcripts); c.3607T>C, p.Leu1203= (NM_001407653.1, NM_001407654.1, NM_001407655.1 and 4 more transcripts); c.3604T>C, p.Leu1202= (NM_001407659.1, NM_001407660.1, NM_001407661.1 and 1 more transcripts); and 41 more.
Identifiers: ClinVar variation 240795 (VCV000240795.16), dbSNP rs767958299, ClinGen allele CA059290.